The following is an entry in ClinVar:

ClinVar aggregate classification (germline): Uncertain significance (1 of 4 stars; one submission).

Submission:

Labcorp Genetics (formerly Invitae), Labcorp
Classification: Uncertain significance. Last evaluated: 2023-10-22. Review status: criteria provided, single submitter. Criteria: Invitae Variant Classification Sherloc (09022015). Collection method: clinical testing. Allele origin: germline.
Comment: This sequence change replaces alanine, which is neutral and non-polar, with proline, which is neutral and non-polar, at codon 1589 of the HIVEP2 protein (p.Ala1589Pro). Information on the frequency of this variant in the gnomAD database is not available, as this variant may be reported differently in the database. This variant has not been reported in the literature in individuals affected with HIVEP2-related conditions. Experimental studies and prediction algorithms are not available or were not evaluated, and the functional significance of this variant is currently unknown. In summary, the available evidence is currently insufficient to determine the role of this variant in disease. Therefore, it has been classified as a Variant of Uncertain Significance.

NM_006734.4(HIVEP2):c.4764_4765delinsCC (p.Ala1589Pro)

Gene: HIVEP2 (HIVEP zinc finger 2; minus strand). Cytogenetic location: 6q24.2.
Variant type: Indel.
Coding change: c.4764_4765delinsCC on transcript NM_006734.4 (MANE Select); coding-DNA positions 4764 to 4765, AG replaced by CC.
Protein change: p.Ala1589Pro; replaces alanine 1589 with proline.
Molecular consequence: missense variant.
Genome position (GRCh38, 1-based): chr6:142,769,974-142,769,975, CT replaced by GG on the plus strand (AG replaced by CC on the coding strand, the reverse complement: HIVEP2 is on the minus strand). VCF-style: chr6-142769974-CT-GG. GRCh37 (hg19) VCF-style: chr6-143091111-CT-GG.
Other names: short protein forms A1589P.
Identifiers: ClinVar variation 2796588 (VCV002796588.3), dbSNP rs2482819651, ClinGen allele CA2739266195.
Genomic context (GRCh38, chr6:142,769,974, plus strand): 5'-CCAGCATGCCAACAGGCCGCTTGTGGCCCTTCCCTTCCTCTTCCAGCTGACCATCTCCTG[CT>GG]GGTAATGAAGAACTCTGTGGGCTCATGCTCATGTCCGATGCCGTCTCATCGATATCTAAT-3'
Protein context (NP_006725.3, residues 1579-1599): SMSPQSSSLP[Ala1589Pro]GDGQLEEEGK